The following is an entry in ClinVar:

ClinVar aggregate classification (germline): Uncertain significance. Review status: criteria provided, multiple submitters, no conflicts (2 of 4 stars). 2 submissions from 2 submitters: Uncertain significance (2). Last evaluated 2026-01-11.

Conditions:
Hereditary cancer-predisposing syndrome. Also called: Hereditary Cancer Syndrome; Hereditary neoplastic syndrome; Tumor predisposition; Neoplastic Syndromes, Hereditary. Identifiers: Orphanet 140162, MedGen C0027672, MeSH D009386, MONDO:0015356.

Allele frequency attached by ClinVar (database versions not stated): gnomAD exomes below 0.00001; TOPMed below 0.00001.
gnomAD v4.1: 3 of 1,614,176 alleles (0.00019%); highest among the groups gnomAD compares: East Asian, 0.0022%; no homozygotes.

Submissions (2):

Labcorp Genetics (formerly Invitae), Labcorp
Classification: Uncertain significance. Last evaluated: 2026-01-11. Review status: criteria provided, single submitter. Criteria: Invitae Variant Classification Sherloc (09022015). Collection method: clinical testing. Allele origin: germline.
Comment: This sequence change replaces valine, which is neutral and non-polar, with isoleucine, which is neutral and non-polar, at codon 618 of the CTNNA1 protein (p.Val618Ile). This variant is present in population databases (no rsID available, gnomAD 0.006%). This variant has not been reported in the literature in individuals affected with CTNNA1-related conditions. ClinVar contains an entry for this variant (Variation ID: 843296). An algorithm developed to predict the effect of missense changes on protein structure and function (PolyPhen-2) suggests that this variant is likely to be tolerated. In summary, the available evidence is currently insufficient to determine the role of this variant in disease. Therefore, it has been classified as a Variant of Uncertain Significance.

Ambry Genetics
Classification: Uncertain significance for Hereditary cancer-predisposing syndrome. Last evaluated: 2023-01-23. Review status: criteria provided, single submitter. Criteria: Ambry Variant Classification Scheme 2023. Collection method: clinical testing. Allele origin: germline.
Comment: The p.V618I variant (also known as c.1852G>A), located in coding exon 12 of the CTNNA1 gene, results from a G to A substitution at nucleotide position 1852. The valine at codon 618 is replaced by isoleucine, an amino acid with highly similar properties. This amino acid position is highly conserved in available vertebrate species. In addition, this alteration is predicted to be tolerated by in silico analysis. The evidence for this gene-disease relationship is limited; therefore, the clinical significance of this alteration is unclear.

NM_001903.5(CTNNA1):c.1852G>A (p.Val618Ile)

Gene: CTNNA1 (catenin alpha 1; plus strand). Cytogenetic location: 5q31.2.
Variant type: single nucleotide variant.
Coding change: c.1852G>A on transcript NM_001903.5 (MANE Select); coding-DNA position 1852, G replaced by A.
Protein change: p.Val618Ile; replaces valine 618 with isoleucine.
Molecular consequence: missense variant.
Genome position (GRCh38, 1-based): chr5:138,925,360, G>A. VCF-style: chr5-138925360-G-A. GRCh37 (hg19) VCF-style: chr5-138261049-G-A.
Other names: c.1759G>A, p.Val587Ile (NM_001323986.2); c.742G>A, p.Val248Ile (NM_001323987.1, NM_001323988.1, NM_001323989.1 and 17 more transcripts); c.403G>A, p.Val135Ile (NM_001324006.1, NM_001324007.1, NM_001324008.1 and 2 more transcripts); c.649G>A, p.Val217Ile (NM_001324011.1); c.499G>A, p.Val167Ile (NM_001324012.1, NM_001324013.1); c.1852G>A, p.Val618Ile (NM_001290307.3, NM_001323982.2, NM_001323983.1 and 2 more transcripts); c.1543G>A, p.Val515Ile (NM_001290309.3); c.1483G>A, p.Val495Ile (NM_001290310.3); and 1 more; short protein forms V618I, V248I, V495I, V515I, V587I, V135I, V167I, V217I.
Identifiers: ClinVar variation 843296 (VCV000843296.11), dbSNP rs1207363850, ClinGen allele CA361132344.